The following is an entry in ClinVar:

ClinVar aggregate classification (germline): Uncertain significance (1 of 4 stars; one submission).

Submission:

GeneDx
Classification: Uncertain significance. Last evaluated: 2024-11-18. Review status: criteria provided, single submitter. Criteria: GeneDx Variant Classification Process June 2021. Collection method: clinical testing. Allele origin: germline. Affected: yes.
Comment: Not observed at significant frequency in large population cohorts (gnomAD); In silico analysis supports that this missense variant has a deleterious effect on protein structure/function; Has not been previously published as pathogenic or benign to our knowledge

NM_001330288.2(SMARCC2):c.1457G>A (p.Cys486Tyr)

Gene: SMARCC2 (SWI/SNF related BAF chromatin remodeling complex subunit C2; minus strand). Cytogenetic location: 12q13.2.
Variant type: single nucleotide variant.
Coding change: c.1457G>A on transcript NM_001330288.2 (MANE Select); coding-DNA position 1457, G replaced by A.
Protein change: p.Cys486Tyr; replaces cysteine 486 with tyrosine.
Molecular consequence: missense variant.
Genome position (GRCh38, 1-based): chr12:56,174,690, C>T on the plus strand (G>A on the coding strand, the complement: SMARCC2 is on the minus strand). VCF-style: chr12-56174690-C-T. GRCh37 (hg19) VCF-style: chr12-56568474-C-T.
Other names: c.1457G>A, p.Cys486Tyr (NM_001130420.3, NM_003075.5, NM_139067.4); short protein forms C486Y.
Identifiers: ClinVar variation 3899698 (VCV003899698.1).
Genomic context (GRCh38, chr12:56,174,690, plus strand): 5'-CCCCTCAGCCACAAGACCCACCTCATGATGGCACAGACATCACCCGCTAGGTTTCGGCGG[C>T]AGGCGGTAGAGGTAAGATACTCTTGGGGGTTCAGTCGGTAAGTGTCAATCATAAAGTTTC-3'
Protein context (NP_001317217.1, residues 476-496): NPQEYLTSTA[Cys486Tyr]RRNLAGDVCA